The following is an entry in ClinVar:

ClinVar aggregate classification (germline): Uncertain significance. Review status: criteria provided, multiple submitters, no conflicts (2 of 4 stars). 2 submissions from 2 submitters: Uncertain significance (2). Last evaluated 2024-12-31.

Conditions:
Inborn genetic diseases. Identifiers: MedGen C0950123, MeSH D030342.
Baller-Gerold syndrome (BGS). Also called: CRANIOSYNOSTOSIS WITH RADIAL DEFECTS. Identifiers: Orphanet 1225, MedGen C0265308, MONDO:0009039, OMIM 218600.

Submissions (2):

Ambry Genetics
Classification: Uncertain significance for Inborn genetic diseases. Last evaluated: 2024-12-31. Review status: criteria provided, single submitter. Criteria: Ambry Variant Classification Scheme 2023. Collection method: clinical testing. Allele origin: germline.
Comment: The p.A659V variant (also known as c.1976C>T), located in coding exon 12 of the RECQL4 gene, results from a C to T substitution at nucleotide position 1976. The alanine at codon 659 is replaced by valine, an amino acid with similar properties. This amino acid position is conserved. In addition, this alteration is predicted to be tolerated by in silico analysis. Based on the available evidence, the clinical significance of this variant remains unclear.

Labcorp Genetics (formerly Invitae), Labcorp
Classification: Uncertain significance for Baller-Gerold syndrome. Last evaluated: 2023-11-15. Review status: criteria provided, single submitter. Criteria: Invitae Variant Classification Sherloc (09022015). Collection method: clinical testing. Allele origin: germline.
Comment: This sequence change replaces alanine, which is neutral and non-polar, with valine, which is neutral and non-polar, at codon 659 of the RECQL4 protein (p.Ala659Val). This variant is not present in population databases (gnomAD no frequency). This variant has not been reported in the literature in individuals affected with RECQL4-related conditions. ClinVar contains an entry for this variant (Variation ID: 951301). Advanced modeling of protein sequence and biophysical properties (such as structural, functional, and spatial information, amino acid conservation, physicochemical variation, residue mobility, and thermodynamic stability) performed at Invitae indicates that this missense variant is not expected to disrupt RECQL4 protein function with a negative predictive value of 80%. In summary, the available evidence is currently insufficient to determine the role of this variant in disease. Therefore, it has been classified as a Variant of Uncertain Significance.

NM_004260.4(RECQL4):c.1976C>T (p.Ala659Val)

Gene: RECQL4 (RecQ like helicase 4; minus strand). Cytogenetic location: 8q24.3.
Variant type: single nucleotide variant.
Coding change: c.1976C>T on transcript NM_004260.4 (MANE Select); coding-DNA position 1976, C replaced by T.
Protein change: p.Ala659Val; replaces alanine 659 with valine.
Molecular consequence: missense variant.
Genome position (GRCh38, 1-based): chr8:144,514,010, G>A on the plus strand (C>T on the coding strand, the complement: RECQL4 is on the minus strand). VCF-style: chr8-144514010-G-A. GRCh37 (hg19) VCF-style: chr8-145739394-G-A.
Other names: short protein forms A659V.
Identifiers: ClinVar variation 951301 (VCV000951301.6), dbSNP rs1336325647, ClinGen allele CA372680381.
Genomic context (GRCh38, chr8:144,514,010, plus strand): 5'-GACACGGAAAGGTGCAGGTTGGTGGGAACTGGGGCTGGCCCGTGGAGGTCAGGCTCTTCA[G>A]CCACAGCCAGGTGCTGTGCCACGTCACTGGCAGTGCGGCGTGTGGCTGTGGCTGTGAGGC-3'
Protein context (NP_004251.4, residues 649-669): ASDVAQHLAV[Ala659Val]EEPDLHGPAP